The following is an entry in ClinVar:

ClinVar aggregate classification (germline): Likely pathogenic. Review status: criteria provided, multiple submitters, no conflicts (2 of 4 stars). 2 submissions from 2 submitters: Likely pathogenic (2). Last evaluated 2024-11-08.

Conditions:
Combined malonic and methylmalonic acidemia. Identifiers: Orphanet 289504, MedGen C3280314, MONDO:0013661, OMIM 614265.

Submissions (2):

Natera, Inc.
Classification: Likely pathogenic for Combined malonic and methylmalonic aciduria. Last evaluated: 2024-11-08. Review status: criteria provided, single submitter. Criteria: Natera Variant Classification Schema (03/2026). Collection method: clinical testing. Allele origin: germline.
Comment: The c.407_408del variant in ACSF3 is a frameshift variant predicted to shift the reading frame beginning at codon 136 and leads to a stop codon 133 codons downstream. This variant is expected to result in nonsense mediated decay, truncation, or a dysfunctional protein product. This variant is rare in the general population with a frequency below the threshold expected for the associated phenotype(s). Given the available evidence, this variant is classified as Likely Pathogenic.

Baylor Genetics
Classification: Likely pathogenic for Combined malonic and methylmalonic acidemia. Last evaluated: 2023-12-06. Review status: criteria provided, single submitter. Criteria: ACMG Guidelines, 2015. Collection method: clinical testing. Allele origin: unknown.

NM_001243279.3(ACSF3):c.407_408del (p.Tyr136fs)

Gene: ACSF3 (acyl-CoA synthetase family member 3; plus strand). Cytogenetic location: 16q24.3.
Variant type: Deletion.
Coding change: c.407_408del on transcript NM_001243279.3 (MANE Select); coding-DNA positions 407 to 408, 2 bases deleted (AT; older notation c.407_408delAT).
Protein change: p.Tyr136fs; shifts the reading frame from tyrosine 136.
Molecular consequence: frameshift variant. On other transcripts: non-coding transcript variant (3), intron variant (1).
Genome position (GRCh38, 1-based): chr16:89,101,088-89,101,089, AT deleted; deleting any 2 consecutive bases within chr16:89,101,087-89,101,089 gives the same sequence; the c. name uses the placement nearest the transcript's 3' end. VCF-style (leftmost placement, unchanged base first): chr16-89101086-GTA-G. GRCh37 (hg19) VCF-style: chr16-89167494-GTA-G.
Other names: c.407_408del, p.Tyr136fs (NM_001127214.4, NM_174917.5); c.-129-1516_-129-1515del (NM_001284316.2); c.407_408del (NM_174917.4); short protein forms Y136fs.
Identifiers: ClinVar variation 2680447 (VCV002680447.3), dbSNP rs2543522617, ClinGen allele CA2634917664.